The following is an entry in ClinVar:

ClinVar aggregate classification (germline): Uncertain significance. Review status: criteria provided, multiple submitters, no conflicts (2 of 4 stars). 2 submissions from 2 submitters: Uncertain significance (2). Last evaluated 2022-11-23.

Conditions:
Hereditary cancer-predisposing syndrome. Also called: Neoplastic Syndromes, Hereditary; Tumor predisposition; Hereditary neoplastic syndrome; Hereditary Cancer Syndrome. Identifiers: Orphanet 140162, MedGen C0027672, MeSH D009386, MONDO:0015356.
Microcephaly, normal intelligence and immunodeficiency (NBS). Also called: IMMUNODEFICIENCY, MICROCEPHALY, AND CHROMOSOMAL INSTABILITY; SEEMANOVA SYNDROME II; Nijmegen breakage syndrome; Microcephaly with normal intelligence immunodeficiency and lymphoreticular malignancies; Nonsyndromal microcephaly autosomal recessive with normal intelligence; Seemanova syndrome 2. Identifiers: Orphanet 647, MedGen C0398791, MONDO:0009623, OMIM 251260.

gnomAD v4.1: 1 of 1,614,068 alleles (0.000062%); highest among the groups gnomAD compares: Non-Finnish European, 0.000085%; no homozygotes.

Submissions (2):

Labcorp Genetics (formerly Invitae), Labcorp
Classification: Uncertain significance for Microcephaly, normal intelligence and immunodeficiency. Last evaluated: 2022-11-23. Review status: criteria provided, single submitter. Criteria: Invitae Variant Classification Sherloc (09022015). Collection method: clinical testing. Allele origin: germline.
Comment: This sequence change replaces aspartic acid, which is acidic and polar, with valine, which is neutral and non-polar, at codon 272 of the NBN protein (p.Asp272Val). This variant is present in population databases (no rsID available, gnomAD 0.0009%). This variant has not been reported in the literature in individuals affected with NBN-related conditions. Algorithms developed to predict the effect of missense changes on protein structure and function are either unavailable or do not agree on the potential impact of this missense change (SIFT: "Deleterious"; PolyPhen-2: "Probably Damaging"; Align-GVGD: "Class C0"). Algorithms developed to predict the effect of sequence changes on RNA splicing suggest that this variant may create or strengthen a splice site. In summary, the available evidence is currently insufficient to determine the role of this variant in disease. Therefore, it has been classified as a Variant of Uncertain Significance.

Ambry Genetics
Classification: Uncertain significance for Hereditary cancer-predisposing syndrome. Last evaluated: 2022-07-29. Review status: criteria provided, single submitter. Criteria: Ambry Variant Classification Scheme 2023. Collection method: clinical testing. Allele origin: germline.
Comment: The p.D272V variant (also known as c.815A>T), located in coding exon 7 of the NBN gene, results from an A to T substitution at nucleotide position 815. The aspartic acid at codon 272 is replaced by valine, an amino acid with highly dissimilar properties. This amino acid position is highly conserved in available vertebrate species. In addition, the in silico prediction for this alteration is inconclusive. Since supporting evidence is limited at this time, the clinical significance of this alteration remains unclear.

NM_002485.5(NBN):c.815A>T (p.Asp272Val)

Gene: NBN (nibrin; minus strand). Cytogenetic location: 8q21.3.
Variant type: single nucleotide variant.
Coding change: c.815A>T on transcript NM_002485.5 (MANE Select); coding-DNA position 815, A replaced by T.
Protein change: p.Asp272Val; replaces aspartic acid 272 with valine.
Molecular consequence: missense variant.
Genome position (GRCh38, 1-based): chr8:89,970,445, T>A on the plus strand (A>T on the coding strand, the complement: NBN is on the minus strand). VCF-style: chr8-89970445-T-A. GRCh37 (hg19) VCF-style: chr8-90982673-T-A.
Other names: c.569A>T, p.Asp190Val (NM_001024688.3); short protein forms D190V, D272V.
Identifiers: ClinVar variation 1762209 (VCV001762209.5), dbSNP rs730881847, ClinGen allele CA371658554.
Genomic context (GRCh38, chr8:89,970,445, plus strand): 5'-GACTGAATCCATTTCTTCTGACAGTCAGGAATTAAGGTCTGTGAGTTTGTTATTCCTGTA[T>A]CAACAACACACGTTCCCGGAGCCAAAAAGAAATTATGTTCTTCTTCATTCTCTTCTGTTA-3'
Protein context (NP_002476.2, residues 262-282): FFLAPGTCVV[Asp272Val]TGITNSQTLI